The following is an entry in ClinVar:

NM_001379180.1(ESRRB):c.948T>C (p.Tyr316=)

Gene: ESRRB (estrogen related receptor beta; plus strand). Cytogenetic location: 14q24.3.
Variant type: single nucleotide variant.
Coding change: c.948T>C on transcript NM_001379180.1 (MANE Select); coding-DNA position 948, T replaced by C.
Protein change: p.Tyr316=; no amino-acid change (tyrosine 316 retained).
Molecular consequence: synonymous variant.
Genome position (GRCh38, 1-based): chr14:76,491,544, T>C. VCF-style: chr14-76491544-T-C. GRCh37 (hg19) VCF-style: chr14-76957887-T-C.
Other names: p.Tyr295=; c.885T>C, p.Tyr295= (NM_004452.4).
Identifiers: ClinVar variation 45002 (VCV000045002.27), dbSNP rs2361293, ClinGen allele CA135423.

ClinVar aggregate classification (germline): Benign/Likely benign. Review status: criteria provided, multiple submitters, no conflicts (2 of 4 stars). 11 submissions from 11 submitters: Benign (8); Likely benign (1). 2 of the submissions do not count toward it. Last evaluated 2026-02-04.

Conditions:
Autosomal recessive nonsyndromic hearing loss 35. Identifiers: Orphanet 90636, MedGen C1837857, MONDO:0012060, OMIM 608565.

Allele frequency attached by ClinVar (database versions not stated): 1000 Genomes Project 30x 0.99266; 1000 Genomes Project 0.99281; gnomAD 0.99538 and 0.99550; TOPMed 0.99549; ESP Exome Variant Server 0.99631; ExAC 0.99862; gnomAD exomes 0.99889 and 0.99951.
gnomAD v4.1: 1,594,011 of 1,595,430 alleles (100%); highest among the groups gnomAD compares: East Asian, 100%; 796,303 homozygotes.

Submissions (11):

Labcorp Genetics (formerly Invitae), Labcorp
Classification: Benign. Last evaluated: 2026-02-04. Review status: criteria provided, single submitter. Criteria: Invitae Variant Classification Sherloc (09022015). Collection method: clinical testing. Allele origin: germline.

Blueprint Genetics
Classification: Likely benign. Last evaluated: 2024-11-27. Review status: criteria provided, single submitter. Criteria: ACMG Guidelines, 2015. Collection method: clinical testing. Allele origin: germline.

Genome-Nilou Lab
Classification: Benign for Autosomal recessive nonsyndromic hearing loss 35. Last evaluated: 2021-07-30. Review status: criteria provided, single submitter. Criteria: ACMG Guidelines, 2015. Collection method: clinical testing. Allele origin: germline. Affected: no.

Mayo Clinic Laboratories, Mayo Clinic
Classification: Benign. Last evaluated: 2020-06-18. Review status: criteria provided, single submitter. Criteria: ACMG Guidelines, 2015. Collection method: clinical testing. Allele origin: germline. Observed: 159 variant alleles.

Illumina Laboratory Services, Illumina
Classification: Benign for Autosomal recessive nonsyndromic hearing loss 35. Last evaluated: 2018-01-13. Review status: criteria provided, single submitter. Criteria: ICSL Variant Classification Criteria 13 December 2019. Collection method: clinical testing. Allele origin: germline.
Comment: This variant was observed in the ICSL laboratory as part of a predisposition screen in an ostensibly healthy population. It had not been previously curated by ICSL or reported in the Human Gene Mutation Database (HGMD: prior to June 1st, 2018), and was therefore a candidate for classification through an automated scoring system. Utilizing variant allele frequency, disease prevalence and penetrance estimates, and inheritance mode, an automated score was calculated to assess if this variant is too frequent to cause the disease. Based on the score and internal cut-off values, a variant classified as benign is not then subjected to further curation. The score for this variant resulted in a classification of benign for this disease.

GeneDx
Classification: Benign. Last evaluated: 2017-05-09. Review status: criteria provided, single submitter. Criteria: GeneDx Variant Classification (06012015). Collection method: clinical testing. Allele origin: germline. Affected: yes.
Comment: This variant is considered likely benign or benign based on one or more of the following criteria: it is a conservative change, it occurs at a poorly conserved position in the protein, it is predicted to be benign by multiple in silico algorithms, and/or has population frequency not consistent with disease.

Laboratory for Molecular Medicine, Mass General Brigham Personalized Medicine
Classification: Benign. Last evaluated: 2012-05-07. Review status: criteria provided, single submitter. Criteria: LMM Criteria. Collection method: clinical testing. Allele origin: germline. Observed: 1,650 variant alleles.
Comment: "Tyr295Tyr in Exon 08 of ESRRB: This variant is not expected to have clinical si gnificance because it does not alter an amino acid residue, is not located withi n the splice consensus sequence, and has been identified in 1.1% (42/3736) of Af rican American chromosomes from a broad population by the NHLBI Exome Sequencing Project (dbSNP rs2361293)."

Breakthrough Genomics
Classification: Benign. Review status: criteria provided, single submitter. Criteria: ACMG Guidelines, 2015. Collection method: not provided. Allele origin: germline. Inheritance: Autosomal recessive inheritance. Affected: yes.

PreventionGenetics, part of Exact Sciences
Classification: Benign. Review status: criteria provided, single submitter. Criteria: ACMG Guidelines, 2015. Collection method: clinical testing. Allele origin: germline.

Diagnostic Laboratory, Department of Genetics, University Medical Center Groningen
Classification: Benign. Review status: no assertion criteria provided. Collection method: clinical testing. Allele origin: germline. Affected: yes. Study: VKGL Data-share Consensus. Not counted in ClinVar's aggregate classification.

Joint Genome Diagnostic Labs from Nijmegen and Maastricht, Radboudumc and MUMC+
Classification: Benign. Review status: no assertion criteria provided. Collection method: clinical testing. Allele origin: germline. Affected: yes. Study: VKGL Data-share Consensus. Not counted in ClinVar's aggregate classification.